The following is an entry in ClinVar:

ClinVar aggregate classification (germline): Pathogenic/Likely pathogenic. Review status: criteria provided, multiple submitters, no conflicts (2 of 4 stars). 2 submissions from 2 submitters: Pathogenic (1); Likely pathogenic (1). Last evaluated 2024-01-03.

Conditions:
Osteopetrosis with renal tubular acidosis (OPTB3). Also called: Autosomal recessive osteopetrosis 3. Identifiers: Orphanet 2785, MedGen C0345407, MONDO:0009818, OMIM 259730.

gnomAD v4.1: 1 of 1,614,066 alleles (0.000062%); highest among the groups gnomAD compares: Non-Finnish European, 0.000085%; no homozygotes.

Submissions (2):

Fulgent Genetics
Classification: Likely pathogenic for Osteopetrosis with renal tubular acidosis. Last evaluated: 2024-01-03. Review status: criteria provided, single submitter. Criteria: ACMG Guidelines, 2015. Collection method: clinical testing. Allele origin: germline.

Women's Health and Genetics/Laboratory Corporation of America, LabCorp
Classification: Pathogenic for Osteopetrosis with renal tubular acidosis. Last evaluated: 2023-12-04. Review status: criteria provided, single submitter. Criteria: LabCorp Variant Classification Summary - May 2015. Collection method: clinical testing. Allele origin: germline.
Comment: Variant summary: CA2 c.610G>T (p.Glu204X) results in a premature termination codon, predicted to cause absence of the protein due to nonsense mediated decay, which is a commonly known mechanism for disease. The variant allele was found at a frequency of 4e-06 in 251422 control chromosomes. To our knowledge, no occurrence of c.610G>T in individuals affected with Osteopetrosis With Renal Tubular Acidosis and no experimental evidence demonstrating its impact on protein function have been reported. No submitters have cited clinical-significance assessments for this variant to ClinVar after 2014. Based on the evidence outlined above, the variant was classified as pathogenic.

NM_000067.3(CA2):c.610G>T (p.Glu204Ter)

Gene: CA2 (carbonic anhydrase 2; plus strand). Cytogenetic location: 8q21.2.
Variant type: single nucleotide variant.
Coding change: c.610G>T on transcript NM_000067.3 (MANE Select); coding-DNA position 610, G replaced by T.
Protein change: p.Glu204Ter; replaces glutamic acid 204 with a stop codon.
Molecular consequence: nonsense.
Genome position (GRCh38, 1-based): chr8:85,477,222, G>T. VCF-style: chr8-85477222-G-T. GRCh37 (hg19) VCF-style: chr8-86389451-G-T.
Other names: c.307G>T, p.Glu103Ter (NM_001293675.2); short protein forms E103*, E204*.
Identifiers: ClinVar variation 2691368 (VCV002691368.2), dbSNP rs568377824, ClinGen allele CA4796582.
Genomic context (GRCh38, chr8:85,477,222, plus strand): 5'-CTTCCTGAATCCTTGGATTACTGGACCTACCCAGGCTCACTGACCACCCCTCCTCTTCTG[G>T]AATGTGTGACCTGGATTGTGCTCAAGGAACCCATCAGCGTCAGCAGCGAGCAGGTTTGTT-3'